The following is an entry in ClinVar:

NM_152703.5(SAMD9L):c.1619G>T (p.Arg540Ile)

Gene: SAMD9L (sterile alpha motif domain containing 9 like; minus strand). Cytogenetic location: 7q21.2.
Variant type: single nucleotide variant.
Coding change: c.1619G>T on transcript NM_152703.5 (MANE Select); coding-DNA position 1619, G replaced by T.
Protein change: p.Arg540Ile; replaces arginine 540 with isoleucine.
Molecular consequence: missense variant.
Genome position (GRCh38, 1-based): chr7:93,134,353, C>A on the plus strand (G>T on the coding strand, the complement: SAMD9L is on the minus strand). VCF-style: chr7-93134353-C-A. GRCh37 (hg19) VCF-style: chr7-92763666-C-A.
Other names: c.1619G>T, p.Arg540Ile (NM_001303496.3, NM_001303497.3, NM_001303498.3 and 5 more transcripts); c.1619G>T (NM_152703.2); short protein forms R540I.
Identifiers: ClinVar variation 1916904 (VCV001916904.7), dbSNP rs776355023, ClinGen allele CA4343704.

ClinVar aggregate classification (germline): Uncertain significance. Review status: criteria provided, multiple submitters, no conflicts (2 of 4 stars). 2 submissions from 2 submitters: Uncertain significance (2). Last evaluated 2025-03-26.

Conditions:
Inborn genetic diseases. Identifiers: MedGen C0950123, MeSH D030342.

Allele frequency attached by ClinVar (database versions not stated): TOPMed below 0.00001; ExAC 0.00002.

Submissions (2):

Ambry Genetics
Classification: Uncertain significance for Inborn genetic diseases. Last evaluated: 2025-03-26. Review status: criteria provided, single submitter. Criteria: Ambry Variant Classification Scheme 2023. Collection method: clinical testing. Allele origin: germline.

Labcorp Genetics (formerly Invitae), Labcorp
Classification: Uncertain significance. Last evaluated: 2022-10-26. Review status: criteria provided, single submitter. Criteria: Invitae Variant Classification Sherloc (09022015). Collection method: clinical testing. Allele origin: germline.
Comment: In summary, the available evidence is currently insufficient to determine the role of this variant in disease. Therefore, it has been classified as a Variant of Uncertain Significance. Advanced modeling of protein sequence and biophysical properties (such as structural, functional, and spatial information, amino acid conservation, physicochemical variation, residue mobility, and thermodynamic stability) has been performed at Invitae for this missense variant, however the output from this modeling did not meet the statistical confidence thresholds required to predict the impact of this variant on SAMD9L protein function. This variant has not been reported in the literature in individuals affected with SAMD9L-related conditions. This variant is present in population databases (rs776355023, gnomAD 0.006%). This sequence change replaces arginine, which is basic and polar, with isoleucine, which is neutral and non-polar, at codon 540 of the SAMD9L protein (p.Arg540Ile).